The following is an entry in ClinVar:

ClinVar aggregate classification (germline): Pathogenic. Review status: criteria provided, multiple submitters, no conflicts (2 of 4 stars). 2 submissions from 2 submitters: Pathogenic (2). Last evaluated 2022-08-23.

Conditions:
RP1-related disorder. Also called: RP1-related condition.

Allele frequency attached by ClinVar (database versions not stated): gnomAD exomes below 0.00001; TOPMed below 0.00001; ExAC 0.00001; ESP Exome Variant Server 0.00008.

Submissions (2):

Labcorp Genetics (formerly Invitae), Labcorp
Classification: Pathogenic. Last evaluated: 2022-08-23. Review status: criteria provided, single submitter. Criteria: Invitae Variant Classification Sherloc (09022015). Collection method: clinical testing. Allele origin: germline.
Comment: For these reasons, this variant has been classified as Pathogenic. This variant disrupts the C-terminus of the RP1 protein. Many variants that disrupt this region have been reported in individuals with either autosomal dominant or autosomal recessive retinitis pigmentosa (PMID: 11527933, 19933189, 29425069, 30027431, 33681214). Therefore, variants that disrupt this region are expected to be disease-causing. ClinVar contains an entry for this variant (Variation ID: 1076688). This premature translational stop signal has been observed in individual(s) with autosomal recessive inherited retinal dystrophy (Invitae). This variant has been reported in individual(s) with autosomal dominant cone-rod dystrophy (Invitae); however, the role of the variant in this condition is currently unclear. This variant is present in population databases (rs370860489, gnomAD 0.007%). This sequence change creates a premature translational stop signal (p.Glu1720*) in the RP1 gene. While this is not anticipated to result in nonsense mediated decay, it is expected to disrupt the last 437 amino acid(s) of the RP1 protein.

Blueprint Genetics
Classification: Pathogenic for RP1-related disorders. Last evaluated: 2021-07-13. Review status: criteria provided, single submitter. Criteria: ACMG Guidelines, 2015. Collection method: clinical testing. Allele origin: germline. Affected: yes. Observed: 2 variant alleles.

Literature cited by the submitters: PubMed 11527933 (cited by Labcorp Genetics (formerly Invitae), Labcorp); PubMed 19933189 (cited by Labcorp Genetics (formerly Invitae), Labcorp); PubMed 29425069 (cited by Labcorp Genetics (formerly Invitae), Labcorp); PubMed 30027431 (cited by Labcorp Genetics (formerly Invitae), Labcorp); PubMed 33681214 (cited by Labcorp Genetics (formerly Invitae), Labcorp).

NM_006269.2(RP1):c.5158G>T (p.Glu1720Ter)

Genes: RP1 (RP1 axonemal microtubule associated; plus strand), LOC126860392 (CDK7 strongly-dependent group 2 enhancer GRCh37_chr8:55541319-55542518; plus strand). Cytogenetic location: 8q12.1.
Variant type: single nucleotide variant.
Coding change: c.5158G>T on transcript NM_006269.2 (MANE Select); coding-DNA position 5158, G replaced by T.
Protein change: p.Glu1720Ter; replaces glutamic acid 1720 with a stop codon.
Molecular consequence: nonsense. On other transcripts: intron variant (1).
Genome position (GRCh38, 1-based): chr8:54,629,040, G>T. VCF-style: chr8-54629040-G-T. GRCh37 (hg19) VCF-style: chr8-55541600-G-T.
Other names: c.787+6752G>T (NM_001375654.1); short protein forms E1720*.
Identifiers: ClinVar variation 1076688 (VCV001076688.10), dbSNP rs370860489, ClinGen allele CA4752014.